The following is an entry in ClinVar:

ClinVar aggregate classification (germline): Uncertain significance. Review status: criteria provided, multiple submitters, no conflicts (2 of 4 stars). 2 submissions from 2 submitters: Uncertain significance (2). Last evaluated 2024-03-26.

Allele frequency attached by ClinVar (database versions not stated): gnomAD exomes below 0.00001.
gnomAD v4.1: 1 of 1,613,010 alleles (0.000062%); highest among the groups gnomAD compares: Non-Finnish European, 0.000085%; no homozygotes.

Submissions (2):

Labcorp Genetics (formerly Invitae), Labcorp
Classification: Uncertain significance. Last evaluated: 2024-03-26. Review status: criteria provided, single submitter. Criteria: Invitae Variant Classification Sherloc (09022015). Collection method: clinical testing. Allele origin: germline.
Comment: This sequence change replaces glutamic acid, which is acidic and polar, with lysine, which is basic and polar, at codon 1671 of the COL11A2 protein (p.Glu1671Lys). This variant is not present in population databases (gnomAD no frequency). This variant has not been reported in the literature in individuals affected with COL11A2-related conditions. ClinVar contains an entry for this variant (Variation ID: 1415515). Advanced modeling of protein sequence and biophysical properties (such as structural, functional, and spatial information, amino acid conservation, physicochemical variation, residue mobility, and thermodynamic stability) performed at Invitae indicates that this missense variant is not expected to disrupt COL11A2 protein function with a negative predictive value of 95%. In summary, the available evidence is currently insufficient to determine the role of this variant in disease. Therefore, it has been classified as a Variant of Uncertain Significance.

GeneDx
Classification: Uncertain significance. Last evaluated: 2023-11-10. Review status: criteria provided, single submitter. Criteria: GeneDx Variant Classification Process June 2021. Collection method: clinical testing. Allele origin: germline. Affected: yes.
Comment: Has not been previously published as pathogenic or benign to our knowledge; Not observed at significant frequency in large population cohorts (gnomAD); In silico analysis supports that this missense variant does not alter protein structure/function

NM_080680.3(COL11A2):c.5011G>A (p.Glu1671Lys)

Gene: COL11A2 (collagen type XI alpha 2 chain; minus strand). Cytogenetic location: 6p21.32.
Variant type: single nucleotide variant.
Coding change: c.5011G>A on transcript NM_080680.3 (MANE Select); coding-DNA position 5011, G replaced by A.
Protein change: p.Glu1671Lys; replaces glutamic acid 1671 with lysine.
Molecular consequence: missense variant.
Genome position (GRCh38, 1-based): chr6:33,164,326, C>T on the plus strand (G>A on the coding strand, the complement: COL11A2 is on the minus strand). VCF-style: chr6-33164326-C-T. GRCh37 (hg19) VCF-style: chr6-33132103-C-T.
Other names: c.4690G>A, p.Glu1564Lys (NM_080679.3); c.4753G>A, p.Glu1585Lys (NM_080681.3); c.5011G>A (NM_080680.2); short protein forms E1564K, E1585K, E1671K.
Identifiers: ClinVar variation 1415515 (VCV001415515.9), dbSNP rs1562301463, ClinGen allele CA363616018.